The following is an entry in ClinVar:

ClinVar aggregate classification (germline): Uncertain significance. Review status: criteria provided, multiple submitters, no conflicts (2 of 4 stars). 4 submissions from 4 submitters: Uncertain significance (4). Last evaluated 2026-04-13.

Conditions:
Renal carnitine transport defect (CDSP). Also called: CARNITINE DEFICIENCY, SYSTEMIC, DUE TO DEFECT IN RENAL REABSORPTION OF CARNITINE; CARNITINE TRANSPORTER, PLASMA-MEMBRANE, DEFICIENCY OF; CARNITINE UPTAKE DEFECT; Systemic primary carnitine deficiency; Systemic primary carnitine deficiency disease; Carnitine transporter deficiency. Identifiers: Orphanet 158, MedGen C0342788, MONDO:0008919, OMIM 212140.

Allele frequency attached by ClinVar (database versions not stated): gnomAD exomes below 0.00001; TOPMed 0.00001.
gnomAD v4.1: 4 of 1,613,326 alleles (0.00025%); highest among the groups gnomAD compares: Non-Finnish European, 0.00034%; no homozygotes.

Submissions (4):

GeneDx
Classification: Uncertain significance. Last evaluated: 2026-04-13. Review status: criteria provided, single submitter. Criteria: GeneDx Variant Classification Process June 2021. Collection method: clinical testing. Allele origin: germline.
Comment: Not observed at significant frequency in large population cohorts (gnomAD); In silico analysis supports that this missense variant has a deleterious effect on protein structure/function; Has not been previously published as pathogenic or benign to our knowledge

Genome-Nilou Lab
Classification: Uncertain significance for Renal carnitine transport defect. Last evaluated: 2021-07-15. Review status: criteria provided, single submitter. Criteria: ACMG Guidelines, 2015. Collection method: clinical testing. Allele origin: germline. Affected: no.

Labcorp Genetics (formerly Invitae), Labcorp
Classification: Uncertain significance for Renal carnitine transport defect. Last evaluated: 2019-08-06. Review status: criteria provided, single submitter. Criteria: Invitae Variant Classification Sherloc (09022015). Collection method: clinical testing. Allele origin: germline.
Comment: This sequence change replaces glycine with aspartic acid at codon 12 of the SLC22A5 protein (p.Gly12Asp). The glycine residue is highly conserved and there is a moderate physicochemical difference between glycine and aspartic acid. This variant has not been reported in the literature in individuals with SLC22A5-related conditions. ClinVar contains an entry for this variant (Variation ID: 285771). This variant is not present in population databases (ExAC no frequency). Algorithms developed to predict the effect of missense changes on protein structure and function (SIFT, PolyPhen-2, Align-GVGD) all suggest that this variant is likely to be disruptive, but these predictions have not been confirmed by published functional studies and their clinical significance is uncertain. In summary, the available evidence is currently insufficient to determine the role of this variant in disease. Therefore, it has been classified as a Variant of Uncertain Significance.

Eurofins Ntd Llc (ga)
Classification: Uncertain significance. Last evaluated: 2016-01-12. Review status: criteria provided, single submitter. Criteria: EGL Classification Definitions 2015. Collection method: clinical testing. Allele origin: germline. Observed: 1 variant allele, 1 heterozygote.

NM_003060.4(SLC22A5):c.35G>A (p.Gly12Asp)

Gene: SLC22A5 (solute carrier family 22 member 5; plus strand). Cytogenetic location: 5q31.1.
Variant type: single nucleotide variant.
Coding change: c.35G>A on transcript NM_003060.4 (MANE Select); coding-DNA position 35, G replaced by A.
Protein change: p.Gly12Asp; replaces glycine 12 with aspartic acid.
Molecular consequence: missense variant.
Genome position (GRCh38, 1-based): chr5:132,370,007, G>A. VCF-style: chr5-132370007-G-A. GRCh37 (hg19) VCF-style: chr5-131705699-G-A.
Other names: c.35G>A, p.Gly12Asp (NM_001308122.2); short protein forms G12D.
Identifiers: ClinVar variation 285771 (VCV000285771.17), dbSNP rs886043206, ClinGen allele CA10605238.